The following is an entry in ClinVar:

ClinVar aggregate classification (germline): Benign. Review status: criteria provided, multiple submitters, no conflicts (2 of 4 stars). 5 submissions from 5 submitters: Benign (5). Last evaluated 2026-01-27.

Conditions:
Renal hypomagnesemia 4. Also called: HYPOMAGNESEMIA, RENAL, NORMOCALCIURIC. Identifiers: Orphanet 34527, MedGen C2673648, MONDO:0012717, OMIM 611718.

Allele frequency attached by ClinVar (database versions not stated): 1000 Genomes Project 0.01358; 1000 Genomes Project 30x 0.01483; TOPMed 0.01870; ESP Exome Variant Server 0.01907.

Submissions (5):

Labcorp Genetics (formerly Invitae), Labcorp
Classification: Benign. Last evaluated: 2026-01-27. Review status: criteria provided, single submitter. Criteria: Invitae Variant Classification Sherloc (09022015). Collection method: clinical testing. Allele origin: germline.

Mayo Clinic Laboratories, Mayo Clinic
Classification: Benign. Last evaluated: 2023-04-10. Review status: criteria provided, single submitter. Criteria: ACMG Guidelines, 2015. Collection method: clinical testing. Allele origin: germline. Observed: 2 variant alleles.

GeneDx
Classification: Benign. Last evaluated: 2020-02-03. Review status: criteria provided, single submitter. Criteria: GeneDx Variant Classification Process June 2021. Collection method: clinical testing. Allele origin: germline. Affected: yes.

Illumina Laboratory Services, Illumina
Classification: Benign for Renal hypomagnesemia 4. Last evaluated: 2018-01-13. Review status: criteria provided, single submitter. Criteria: ICSL Variant Classification Criteria 13 December 2019. Collection method: clinical testing. Allele origin: germline.
Comment: This variant was observed in the ICSL laboratory as part of a predisposition screen in an ostensibly healthy population. It had not been previously curated by ICSL or reported in the Human Gene Mutation Database (HGMD: prior to June 1st, 2018), and was therefore a candidate for classification through an automated scoring system. Utilizing variant allele frequency, disease prevalence and penetrance estimates, and inheritance mode, an automated score was calculated to assess if this variant is too frequent to cause the disease. Based on the score and internal cut-off values, a variant classified as benign is not then subjected to further curation. The score for this variant resulted in a classification of benign for this disease.

Breakthrough Genomics
Classification: Benign. Review status: criteria provided, single submitter. Criteria: ACMG Guidelines, 2015. Collection method: not provided. Allele origin: germline. Inheritance: Autosomal recessive inheritance. Affected: yes.

NM_001963.6(EGF):c.556G>C (p.Asp186His)

Gene: EGF (epidermal growth factor; plus strand). Cytogenetic location: 4q25.
Variant type: single nucleotide variant.
Coding change: c.556G>C on transcript NM_001963.6 (MANE Select); coding-DNA position 556, G replaced by C.
Protein change: p.Asp186His; replaces aspartic acid 186 with histidine.
Molecular consequence: missense variant.
Genome position (GRCh38, 1-based): chr4:109,943,888, G>C. VCF-style: chr4-109943888-G-C. GRCh37 (hg19) VCF-style: chr4-110865044-G-C.
Other names: p.Asp186His; c.556G>C, p.Asp186His (NM_001178130.3, NM_001178131.3, NM_001357021.2); short protein forms D186H.
Identifiers: ClinVar variation 347228 (VCV000347228.16), dbSNP rs28553469, ClinGen allele CA3043445.